The following is an entry in ClinVar:

NM_002470.4(MYH3):c.3598A>G (p.Ser1200Gly)

Gene: MYH3 (myosin heavy chain 3; minus strand). Cytogenetic location: 17p13.1.
Variant type: single nucleotide variant.
Coding change: c.3598A>G on transcript NM_002470.4 (MANE Select); coding-DNA position 3598, A replaced by G.
Protein change: p.Ser1200Gly; replaces serine 1200 with glycine.
Molecular consequence: missense variant.
Genome position (GRCh38, 1-based): chr17:10,638,174, T>C on the plus strand (A>G on the coding strand, the complement: MYH3 is on the minus strand). VCF-style: chr17-10638174-T-C. GRCh37 (hg19) VCF-style: chr17-10541491-T-C.
Other names: c.3598A>G (NM_002470.3); short protein forms S1200G.
Identifiers: ClinVar variation 1946174 (VCV001946174.6), dbSNP rs371764244, ClinGen allele CA8392466.

ClinVar aggregate classification (germline): Uncertain significance. Review status: criteria provided, multiple submitters, no conflicts (2 of 4 stars). 2 submissions from 2 submitters: Uncertain significance (2). Last evaluated 2023-10-14.

Conditions:
Inborn genetic diseases. Identifiers: MedGen C0950123, MeSH D030342.

Allele frequency attached by ClinVar (database versions not stated): gnomAD exomes below 0.00001; ExAC 0.00001; TOPMed 0.00002; gnomAD 0.00003; ESP Exome Variant Server 0.00008.
gnomAD v4.1: 5 of 1,613,838 alleles (0.00031%); highest among the groups gnomAD compares: African/African-American, 0.0053%; no homozygotes.

Submissions (2):

Ambry Genetics
Classification: Uncertain significance for Inborn genetic diseases. Last evaluated: 2023-10-14. Review status: criteria provided, single submitter. Criteria: Ambry Variant Classification Scheme 2023. Collection method: clinical testing. Allele origin: germline.

Labcorp Genetics (formerly Invitae), Labcorp
Classification: Uncertain significance. Last evaluated: 2022-06-07. Review status: criteria provided, single submitter. Criteria: Invitae Variant Classification Sherloc (09022015). Collection method: clinical testing. Allele origin: germline.
Comment: This sequence change replaces serine, which is neutral and polar, with glycine, which is neutral and non-polar, at codon 1200 of the MYH3 protein (p.Ser1200Gly). This variant is present in population databases (rs371764244, gnomAD 0.008%). This variant has not been reported in the literature in individuals affected with MYH3-related conditions. Algorithms developed to predict the effect of missense changes on protein structure and function are either unavailable or do not agree on the potential impact of this missense change (SIFT: "Deleterious"; PolyPhen-2: "Benign"; Align-GVGD: "Class C55"). In summary, the available evidence is currently insufficient to determine the role of this variant in disease. Therefore, it has been classified as a Variant of Uncertain Significance.